The following is an entry in ClinVar:

NM_001040142.2(SCN2A):c.110C>T (p.Pro37Leu)

Gene: SCN2A (sodium voltage-gated channel alpha subunit 2; plus strand). Cytogenetic location: 2q24.3.
Variant type: single nucleotide variant.
Coding change: c.110C>T on transcript NM_001040142.2 (MANE Select); coding-DNA position 110, C replaced by T.
Protein change: p.Pro37Leu; replaces proline 37 with leucine.
Molecular consequence: missense variant.
Genome position (GRCh38, 1-based): chr2:165,295,933, C>T. VCF-style: chr2-165295933-C-T. GRCh37 (hg19) VCF-style: chr2-166152443-C-T.
Other names: c.110C>T, p.Pro37Leu (NM_001040143.2, NM_001371246.1, NM_001371247.1 and 1 more transcripts); short protein forms P37L.
Identifiers: ClinVar variation 3753648 (VCV003753648.2).

ClinVar aggregate classification (germline): Uncertain significance (1 of 4 stars; one submission).

Conditions:
Developmental and epileptic encephalopathy, 11 (DEE11). Also called: Early infantile epileptic encephalopathy 11. Identifiers: Orphanet 1934, MedGen C3150987, MONDO:0013388, OMIM 613721.
Seizures, benign familial infantile, 3 (BFIS3). Also called: CONVULSIONS, BENIGN FAMILIAL INFANTILE, 3; Familial neonatal seizures. Identifiers: Orphanet 140927, Orphanet 306, MedGen C1843140, MONDO:0011904, OMIM 607745.

Submission:

Labcorp Genetics (formerly Invitae), Labcorp
Classification: Uncertain significance for Seizures, benign familial infantile, 3; Developmental and epileptic encephalopathy, 11. Last evaluated: 2024-05-08. Review status: criteria provided, single submitter. Criteria: Invitae Variant Classification Sherloc (09022015). Collection method: clinical testing. Allele origin: germline.
Comment: This sequence change replaces proline, which is neutral and non-polar, with leucine, which is neutral and non-polar, at codon 37 of the SCN2A protein (p.Pro37Leu). This variant is not present in population databases (gnomAD no frequency). This variant has not been reported in the literature in individuals affected with SCN2A-related conditions. Advanced modeling of protein sequence and biophysical properties (such as structural, functional, and spatial information, amino acid conservation, physicochemical variation, residue mobility, and thermodynamic stability) performed at Invitae indicates that this missense variant is not expected to disrupt SCN2A protein function with a negative predictive value of 95%. In summary, the available evidence is currently insufficient to determine the role of this variant in disease. Therefore, it has been classified as a Variant of Uncertain Significance.